The following is an entry in ClinVar:

ClinVar aggregate classification (germline): Pathogenic/Likely pathogenic. Review status: criteria provided, multiple submitters, no conflicts (2 of 4 stars). 4 submissions from 4 submitters: Pathogenic (1); Likely pathogenic (3). Last evaluated 2025-11-06.

Conditions:
PMM2-congenital disorder of glycosylation. Also called: Congenital disorder of glycosylation, type Ia; CDG Ia; JAEKEN SYNDROME; PHOSPHOMANNOMUTASE 2 DEFICIENCY; CARBOHYDRATE-DEFICIENT GLYCOPROTEIN SYNDROME, TYPE Ia; PMM2-CDG. Identifiers: Orphanet 79318, MedGen C0349653, MONDO:0008907, OMIM 212065.

Submissions (4):

Dasa
Classification: Pathogenic. Last evaluated: 2025-11-06. Review status: criteria provided, single submitter. Criteria: DASA Assertion Criteria. Collection method: clinical testing. Allele origin: germline.
Comment: NM_000303.3(PMM2):c.228C>A (p.Tyr76*) introduces a premature termination codon predicted to result in loss of normal protein function. Loss-of-function is an established mechanism of disease for this gene. Based on the available data, this variant is classified as pathogenic.

Fulgent Genetics
Classification: Likely pathogenic for PMM2-congenital disorder of glycosylation. Last evaluated: 2024-02-25. Review status: criteria provided, single submitter. Criteria: ACMG Guidelines, 2015. Collection method: clinical testing. Allele origin: germline.

Baylor Genetics
Classification: Likely pathogenic for PMM2-congenital disorder of glycosylation. Last evaluated: 2024-01-05. Review status: criteria provided, single submitter. Criteria: ACMG Guidelines, 2015. Collection method: clinical testing. Allele origin: unknown.

Myriad Genetics, Inc.
Classification: Likely pathogenic for PMM2-congenital disorder of glycosylation. Last evaluated: 2022-02-24. Review status: criteria provided, single submitter. Criteria: Myriad Women's Health Autosomal Recessive and X-Linked Classification Criteria (2021). Collection method: clinical testing. Allele origin: unknown.
Comment: NM_000303.2(PMM2):c.228C>A(Y76*) is expected to be pathogenic in the context of congenital disorder of glycosylation type Ia. This variant is predicted to lead to an abnormal or absent protein product due to the creation of a premature termination codon in PMM2, a gene where loss-of-function variants are known to be pathogenic. Please note: this variant was assessed in the context of healthy population screening.

NM_000303.3(PMM2):c.228C>A (p.Tyr76Ter)

Gene: PMM2 (phosphomannomutase 2; plus strand). Cytogenetic location: 16p13.2.
Variant type: single nucleotide variant.
Coding change: c.228C>A on transcript NM_000303.3 (MANE Select); coding-DNA position 228, C replaced by A.
Protein change: p.Tyr76Ter; replaces tyrosine 76 with a stop codon.
Molecular consequence: nonsense.
Genome position (GRCh38, 1-based): chr16:8,804,816, C>A. VCF-style: chr16-8804816-C-A. GRCh37 (hg19) VCF-style: chr16-8898673-C-A.
Other names: short protein forms Y76*.
Identifiers: ClinVar variation 1724656 (VCV001724656.6), dbSNP rs2549144489, ClinGen allele CA394695945.